The following is an entry in ClinVar:

NM_001447.3(FAT2):c.3837C>T (p.Val1279=)

Genes: FAT2 (FAT atypical cadherin 2; minus strand), SLC36A1 (solute carrier family 36 member 1; plus strand). Cytogenetic location: 5q33.1.
Variant type: single nucleotide variant.
Coding change: c.3837C>T on transcript NM_001447.3 (MANE Select); coding-DNA position 3837, C replaced by T.
Protein change: p.Val1279=; no amino-acid change (valine 1279 retained).
Molecular consequence: synonymous variant.
Genome position (GRCh38, 1-based): chr5:151,554,470, G>A on the plus strand (C>T on the coding strand, the complement: FAT2 is on the minus strand). VCF-style: chr5-151554470-G-A. GRCh37 (hg19) VCF-style: chr5-150934031-G-A.
Identifiers: ClinVar variation 2655965 (VCV002655965.24), dbSNP rs1757510847, ClinGen allele CA447224613.

ClinVar aggregate classification (germline): Likely benign (1 of 4 stars; one submission).

Allele frequency attached by ClinVar (database versions not stated): gnomAD exomes below 0.00001.
gnomAD v4.1: 1 of 1,614,212 alleles (0.000062%); highest among the groups gnomAD compares: African/African-American, 0.0013%; no homozygotes.

Submission:

CeGaT Center for Human Genetics Tuebingen
Classification: Likely benign. Last evaluated: 2022-03-01. Review status: criteria provided, single submitter. Criteria: CeGaT Center For Human Genetics Tuebingen Variant Classification Criteria Version 2. Collection method: clinical testing. Allele origin: germline. Affected: yes. Observed: 1 variant allele.
Comment: FAT2: PM2:Supporting, BP4, BP7